The following is an entry in ClinVar:

NM_007294.4(BRCA1):c.4162C>A (p.Gln1388Lys)

Gene: BRCA1 (BRCA1 DNA repair associated; minus strand). Cytogenetic location: 17q21.31.
Variant type: single nucleotide variant.
Coding change: c.4162C>A on transcript NM_007294.4 (MANE Select); coding-DNA position 4162, C replaced by A.
Protein change: p.Gln1388Lys; replaces glutamine 1388 with lysine.
Molecular consequence: missense variant. On other transcripts: non-coding transcript variant (1).
Genome position (GRCh38, 1-based): chr17:43,090,967, G>T on the plus strand (C>A on the coding strand, the complement: BRCA1 is on the minus strand). VCF-style: chr17-43090967-G-T. GRCh37 (hg19) VCF-style: chr17-41242984-G-T.
Other names: c.730C>A, p.Gln244Lys (NM_001408443.1, NM_001408444.1, NM_001408425.1 and 12 more transcripts); c.727C>A, p.Gln243Lys (NM_001408445.1, NM_001408446.1, NM_001408447.1 and 6 more transcripts); c.718C>A, p.Gln240Lys (NM_001408451.1); c.712C>A, p.Gln238Lys (NM_001408452.1, NM_001408453.1, NM_001408454.1 and 11 more transcripts); c.709C>A, p.Gln237Lys (NM_001408462.1, NM_001408463.1, NM_001408464.1 and 3 more transcripts); c.853C>A, p.Gln285Lys (NM_001408472.1, NM_007298.4, NM_007299.4 and 18 more transcripts); c.850C>A, p.Gln284Lys (NM_001408473.1, NM_001407972.1, NM_001407984.1 and 13 more transcripts); c.652C>A, p.Gln218Lys (NM_001408474.1, NM_001408476.1); and 41 more; short protein forms Q1341K, Q1388K, Q285K, Q1261K, Q1276K, Q1340K, Q1361K, Q173K.
Identifiers: ClinVar variation 1005980 (VCV001005980.12), dbSNP rs876660601, ClinGen allele CA10593401.

ClinVar aggregate classification (germline): Uncertain significance. Review status: criteria provided, multiple submitters, no conflicts (2 of 4 stars). 2 submissions from 2 submitters: Uncertain significance (2). Last evaluated 2024-07-08.

Conditions:
Hereditary cancer-predisposing syndrome. Also called: Hereditary neoplastic syndrome; Neoplastic Syndromes, Hereditary; Tumor predisposition; Hereditary Cancer Syndrome. Identifiers: Orphanet 140162, MedGen C0027672, MeSH D009386, MONDO:0015356.
Hereditary breast ovarian cancer syndrome. Also called: Hereditary breast and/or ovarian cancer syndrome; Hereditary breast and ovarian cancer syndrome; Hereditary breast and ovarian cancer syndrome (HBOC); Breast and ovarian cancer; BRCA1- and BRCA2-Associated Hereditary Breast and Ovarian Cancer; Hereditary breast and ovarian cancer. Identifiers: Orphanet 145, MedGen C0677776, MeSH D061325, MONDO:0003582. Disease mechanism: loss of function.

Submissions (2):

Labcorp Genetics (formerly Invitae), Labcorp
Classification: Uncertain significance for Hereditary breast ovarian cancer syndrome. Last evaluated: 2024-07-08. Review status: criteria provided, single submitter. Criteria: Invitae Variant Classification Sherloc (09022015). Collection method: clinical testing. Allele origin: germline.
Comment: This sequence change replaces glutamine, which is neutral and polar, with lysine, which is basic and polar, at codon 1388 of the BRCA1 protein (p.Gln1388Lys). This variant is not present in population databases (gnomAD no frequency). This variant has not been reported in the literature in individuals affected with BRCA1-related conditions. ClinVar contains an entry for this variant (Variation ID: 1005980). Advanced modeling of protein sequence and biophysical properties (such as structural, functional, and spatial information, amino acid conservation, physicochemical variation, residue mobility, and thermodynamic stability) performed at Invitae indicates that this missense variant is expected to disrupt BRCA1 protein function with a positive predictive value of 95%. In summary, the available evidence is currently insufficient to determine the role of this variant in disease. Therefore, it has been classified as a Variant of Uncertain Significance.

Ambry Genetics
Classification: Uncertain significance for Hereditary cancer-predisposing syndrome. Last evaluated: 2022-08-24. Review status: criteria provided, single submitter. Criteria: Ambry Variant Classification Scheme 2023. Collection method: clinical testing. Allele origin: germline.
Comment: The p.Q1388K variant (also known as c.4162C>A), located in coding exon 10 of the BRCA1 gene, results from a C to A substitution at nucleotide position 4162. The glutamine at codon 1388 is replaced by lysine, an amino acid with similar properties. This amino acid position is highly conserved in available vertebrate species. In addition, this alteration is predicted to be deleterious by in silico analysis. Since supporting evidence is limited at this time, the clinical significance of this alteration remains unclear.